The following is an entry in ClinVar:

NM_016529.6(ATP8A2):c.2675T>C (p.Ile892Thr)

Gene: ATP8A2 (ATPase phospholipid transporting 8A2). Cytogenetic location: 13q12.13.
Variant type: single nucleotide variant.
Coding change: c.2675T>C on transcript NM_016529.6 (MANE Select); coding-DNA position 2675, T replaced by C.
Protein change: p.Ile892Thr; replaces isoleucine 892 with threonine.
Molecular consequence: missense variant.
Genome position (GRCh38, 1-based): chr13:25,774,955, T>C. VCF-style: chr13-25774955-T-C. GRCh37 (hg19) VCF-style: chr13-26349093-T-C.
Other names: c.2555T>C, p.Ile852Thr (NM_001313741.1); c.2675T>C, p.Ile892Thr (NM_001411005.1, NM_001411006.1); short protein forms I852T, I892T.
Identifiers: ClinVar variation 4686373 (VCV004686373.1).

ClinVar aggregate classification (germline): Uncertain significance (1 of 4 stars; one submission).

gnomAD v4.1: 3 of 1,586,134 alleles (0.00019%); highest among the groups gnomAD compares: East Asian, 0.0022%; no homozygotes.

Submission:

GeneDx
Classification: Uncertain significance. Last evaluated: 2025-07-18. Review status: criteria provided, single submitter. Criteria: GeneDx Variant Classification Process June 2021. Collection method: clinical testing. Allele origin: germline. Affected: yes.
Comment: In silico analysis supports that this missense variant has a deleterious effect on protein structure/function; Has not been previously published as pathogenic or benign to our knowledge